The following is an entry in ClinVar:

ClinVar aggregate classification (germline): Benign/Likely benign. Review status: criteria provided, multiple submitters, no conflicts (2 of 4 stars). 3 submissions from 3 submitters: Benign (1); Likely benign (2). Last evaluated 2026-01-28.

Allele frequency attached by ClinVar (database versions not stated): 1000 Genomes Project 30x 0.00125; ESP Exome Variant Server 0.00130; TOPMed 0.00133; 1000 Genomes Project 0.00140; gnomAD 0.00186 and 0.00197; gnomAD exomes 0.00194 and 0.00245; ExAC 0.00218.
gnomAD v4.1: 3,774 of 1,586,354 alleles (0.24%); highest among the groups gnomAD compares: Non-Finnish European, 0.26%; 9 homozygotes.

Submissions (3):

Labcorp Genetics (formerly Invitae), Labcorp
Classification: Benign. Last evaluated: 2026-01-28. Review status: criteria provided, single submitter. Criteria: Invitae Variant Classification Sherloc (09022015). Collection method: clinical testing. Allele origin: germline.

CeGaT Center for Human Genetics Tuebingen
Classification: Likely benign. Last evaluated: 2026-01-01. Review status: criteria provided, single submitter. Criteria: CeGaT Center For Human Genetics Tuebingen Variant Classification Criteria Version 2. Collection method: clinical testing. Allele origin: germline. Affected: yes. Observed: 3 variant alleles.
Comment: COL18A1: BP4, BP7

Blueprint Genetics
Classification: Likely benign. Last evaluated: 2024-11-01. Review status: criteria provided, single submitter. Criteria: ACMG Guidelines, 2015. Collection method: clinical testing. Allele origin: germline.

NM_001379500.1(COL18A1):c.107-12124C>G

Gene: COL18A1 (collagen type XVIII alpha 1 chain; plus strand). Cytogenetic location: 21q22.3.
Variant type: single nucleotide variant.
Coding change: c.107-12124C>G on transcript NM_001379500.1 (MANE Select); 12124 bases into the intron before coding-DNA position 107, C replaced by G.
Molecular consequence: intron variant. On other transcripts: synonymous variant (2).
Genome position (GRCh38, 1-based): chr21:45,456,118, C>G. VCF-style: chr21-45456118-C-G. GRCh37 (hg19) VCF-style: chr21-46876032-C-G.
Other names: NM_130445.3:c.107-12124C>G; c.588C>G, p.Pro196= (NM_030582.4, NM_130444.3).
Identifiers: ClinVar variation 781769 (VCV000781769.25), dbSNP rs199717521, ClinGen allele CA10065521.